The following is an entry in ClinVar:

ClinVar aggregate classification (germline): Uncertain significance. Review status: criteria provided, multiple submitters, no conflicts (2 of 4 stars). 3 submissions from 3 submitters: Uncertain significance (3). Last evaluated 2025-04-30.

Conditions:
Inborn genetic diseases. Identifiers: MedGen C0950123, MeSH D030342.

Allele frequency attached by ClinVar (database versions not stated): gnomAD exomes 0.00002 and 0.00001; gnomAD 0.00001; ExAC 0.00002; TOPMed 0.00005.
gnomAD v4.1: 25 of 1,614,018 alleles (0.0015%); highest among the groups gnomAD compares: East Asian, 0.013%; no homozygotes.

Submissions (3):

Dasa
Classification: Uncertain significance. Last evaluated: 2025-04-30. Review status: criteria provided, single submitter. Criteria: DASA Assertion Criteria. Collection method: clinical testing. Allele origin: germline.
Comment: NM_000400.4(ERCC2):c.431C>T (p.Ala144Val) is a missense variant that results in the substitution of alanine with valine. This variant is rare in population databases. Computational prediction algorithms are consistent with a benign effect. The currently available literature and clinical evidence are not sufficient to establish a definitive association between this variant and the reported condition. Therefore, this variant is classified as a variant of uncertain significance.

Labcorp Genetics (formerly Invitae), Labcorp
Classification: Uncertain significance. Last evaluated: 2022-08-09. Review status: criteria provided, single submitter. Criteria: Invitae Variant Classification Sherloc (09022015). Collection method: clinical testing. Allele origin: germline.
Comment: This sequence change replaces alanine, which is neutral and non-polar, with valine, which is neutral and non-polar, at codon 144 of the ERCC2 protein (p.Ala144Val). This variant is present in population databases (rs776313922, gnomAD 0.02%). This variant has not been reported in the literature in individuals affected with ERCC2-related conditions. ClinVar contains an entry for this variant (Variation ID: 1508123). Algorithms developed to predict the effect of missense changes on protein structure and function (SIFT, PolyPhen-2, Align-GVGD) all suggest that this variant is likely to be tolerated. In summary, the available evidence is currently insufficient to determine the role of this variant in disease. Therefore, it has been classified as a Variant of Uncertain Significance.

Ambry Genetics
Classification: Uncertain significance for Inborn genetic diseases. Last evaluated: 2021-08-10. Review status: criteria provided, single submitter. Criteria: Ambry Variant Classification Scheme 2023. Collection method: clinical testing. Allele origin: germline.

NM_000400.4(ERCC2):c.431C>T (p.Ala144Val)

Gene: ERCC2 (ERCC excision repair 2, TFIIH core complex helicase subunit; minus strand). Cytogenetic location: 19q13.32.
Variant type: single nucleotide variant.
Coding change: c.431C>T on transcript NM_000400.4 (MANE Select); coding-DNA position 431, C replaced by T.
Protein change: p.Ala144Val; replaces alanine 144 with valine.
Molecular consequence: missense variant.
Genome position (GRCh38, 1-based): chr19:45,365,088, G>A on the plus strand (C>T on the coding strand, the complement: ERCC2 is on the minus strand). VCF-style: chr19-45365088-G-A. GRCh37 (hg19) VCF-style: chr19-45868346-G-A.
Other names: c.359C>T, p.Ala120Val (NM_001130867.2); c.431C>T (NM_000400.3); short protein forms A144V, A120V.
Identifiers: ClinVar variation 1508123 (VCV001508123.8), dbSNP rs776313922, ClinGen allele CA9513790.